The following is an entry in ClinVar:

NM_004064.5(CDKN1B):c.229_238dup (p.Glu80fs)

Gene: CDKN1B (cyclin dependent kinase inhibitor 1B; plus strand). Cytogenetic location: 12p13.1.
Variant type: Duplication.
Coding change: c.229_238dup on transcript NM_004064.5 (MANE Select); coding-DNA positions 229 to 238, 10 bases duplicated (CAAGAGGTGG; older notation c.229_238dupCAAGAGGTGG).
Protein change: p.Glu80fs; shifts the reading frame from glutamic acid 80.
Molecular consequence: frameshift variant.
Genome position (GRCh38, 1-based): chr12:12,718,068-12,718,077, CAAGAGGTGG duplicated; duplicating any 10 consecutive bases within chr12:12,718,064-12,718,077 gives the same sequence; the c. name uses the placement nearest the transcript's 3' end. VCF-style (leftmost placement, unchanged base first): chr12-12718063-A-AGTGGCAAGAG. GRCh37 (hg19) VCF-style: chr12-12870997-A-AGTGGCAAGAG.
Other names: short protein forms E80fs.
Identifiers: ClinVar variation 854005 (VCV000854005.7), dbSNP rs1946491613, ClinGen allele CA916083288.

ClinVar aggregate classification (germline): Pathogenic (1 of 4 stars; one submission).

Conditions:
Multiple endocrine neoplasia type 4. Also called: MULTIPLE ENDOCRINE NEOPLASIA, TYPE IV. Identifiers: Orphanet 276152, MedGen C1970712, MONDO:0012552, OMIM 610755.

Submission:

Labcorp Genetics (formerly Invitae), Labcorp
Classification: Pathogenic for Multiple endocrine neoplasia type 4. Last evaluated: 2019-11-21. Review status: criteria provided, single submitter. Criteria: Invitae Variant Classification Sherloc (09022015). Collection method: clinical testing. Allele origin: germline.
Comment: For these reasons, this variant has been classified as Pathogenic. Loss-of-function variants in CDKN1B are known to be pathogenic (PMID: 17030811, 24819502). This variant has not been reported in the literature in individuals with CDKN1B-related conditions. This variant is not present in population databases (ExAC no frequency). This sequence change creates a premature translational stop signal (p.Glu80Alafs*48) in the CDKN1B gene. It is expected to result in an absent or disrupted protein product.

Literature cited by the submitters: PubMed 17030811; PubMed 24819502.